The following is an entry in ClinVar:

NM_000130.5(F5):c.5290A>G (p.Met1764Val)

Gene: F5 (coagulation factor V; minus strand). Cytogenetic location: 1q24.2.
Variant type: single nucleotide variant.
Coding change: c.5290A>G on transcript NM_000130.5 (MANE Select); coding-DNA position 5290, A replaced by G.
Protein change: p.Met1764Val; replaces methionine 1764 with valine.
Molecular consequence: missense variant.
Genome position (GRCh38, 1-based): chr1:169,529,737, T>C on the plus strand (A>G on the coding strand, the complement: F5 is on the minus strand). VCF-style: chr1-169529737-T-C. GRCh37 (hg19) VCF-style: chr1-169498975-T-C.
Other names: short protein forms M1764V.
Identifiers: ClinVar variation 255210 (VCV000255210.59), dbSNP rs6030, ClinGen allele CA1233528.

ClinVar aggregate classification (germline): Conflicting classifications of pathogenicity. Review status: criteria provided, conflicting classifications (1 of 4 stars). 9 submissions from 9 submitters: Uncertain significance (1); Benign (5); Likely benign (1). 2 of the submissions do not count toward it. Last evaluated 2026-02-04.

Conditions:
Congenital factor V deficiency. Also called: LABILE FACTOR DEFICIENCY; OWREN PARAHEMOPHILIA; PARAHEMOPHILIA; Hereditary factor V deficiency disease. Identifiers: Orphanet 326, MedGen C0015499, MONDO:0009210, OMIM 227400.
Thrombophilia due to activated protein C resistance (THPH2). Also called: PCCF DEFICIENCY; PROC COFACTOR DEFICIENCY; THROMBOPHILIA DUE TO DEFICIENCY OF ACTIVATED PROTEIN C COFACTOR; THROMBOPHILIA V; APC resistance; Activated protein C resistance. Identifiers: MedGen C1861171, MONDO:0008560, OMIM 188055. Disease mechanism: loss of function, gain of function.

Allele frequency attached by ClinVar (database versions not stated): ESP Exome Variant Server 0.28940; gnomAD 0.29437 and 0.29968; 1000 Genomes Project 30x 0.30465; TOPMed 0.30498; 1000 Genomes Project 0.30871; gnomAD exomes 0.33240 and 0.34302; ExAC 0.33506.

Submissions (9):

Labcorp Genetics (formerly Invitae), Labcorp
Classification: Benign for Congenital factor V deficiency. Last evaluated: 2026-02-04. Review status: criteria provided, single submitter. Criteria: Invitae Variant Classification Sherloc (09022015). Collection method: clinical testing. Allele origin: germline.

Genomic Medicine Center of Excellence, King Faisal Specialist Hospital and Research Centre
Classification: Benign for Thrombophilia due to activated protein C resistance. Last evaluated: 2024-03-26. Review status: criteria provided, single submitter. Criteria: ACMG Guidelines, 2015. Collection method: clinical testing. Allele origin: germline.

Mayo Clinic Laboratories, Mayo Clinic
Classification: Benign. Last evaluated: 2022-08-16. Review status: criteria provided, single submitter. Criteria: ACMG Guidelines, 2015. Collection method: clinical testing. Allele origin: germline. Observed: 126 variant alleles.
Comment: BA1, BS2, BS3, BP4

GeneDx
Classification: Benign. Last evaluated: 2018-11-11. Review status: criteria provided, single submitter. Criteria: GeneDx Variant Classification Process June 2021. Collection method: clinical testing. Allele origin: germline. Affected: yes.
Comment: This variant is associated with the following publications: (PMID: 22353194, 17640947, 20981092, 16542711)

Illumina Laboratory Services, Illumina
Classification: Likely benign for Thrombophilia due to activated protein C resistance. Last evaluated: 2017-04-27. Review status: criteria provided, single submitter. Criteria: ICSL Variant Classification Criteria 13 December 2019. Collection method: clinical testing. Allele origin: germline.
Comment: This variant was observed as part of a predisposition screen in an ostensibly healthy population. A literature search was performed for the gene, cDNA change, and amino acid change (where applicable). No publications were found based on this search. Allele frequency data from public databases allowed determination this variant is unlikely to cause disease. Therefore, this variant is classified as likely benign.

CeGaT Center for Human Genetics Tuebingen
Classification: Uncertain significance. Last evaluated: 2016-10-01. Review status: criteria provided, single submitter. Criteria: CeGaT Center For Human Genetics Tuebingen Variant Classification Criteria Version 2. Collection method: clinical testing. Allele origin: germline. Affected: yes. Observed: 1 variant allele.

PreventionGenetics, part of Exact Sciences
Classification: Benign. Review status: criteria provided, single submitter. Criteria: ACMG Guidelines, 2015. Collection method: clinical testing. Allele origin: germline.

Diagnostic Laboratory, Department of Genetics, University Medical Center Groningen
Classification: Benign. Review status: no assertion criteria provided. Collection method: clinical testing. Allele origin: germline. Affected: yes. Study: VKGL Data-share Consensus. Not counted in ClinVar's aggregate classification.

Joint Genome Diagnostic Labs from Nijmegen and Maastricht, Radboudumc and MUMC+
Classification: Benign. Review status: no assertion criteria provided. Collection method: clinical testing. Allele origin: germline. Affected: yes. Study: VKGL Data-share Consensus. Not counted in ClinVar's aggregate classification.